The following is an entry in ClinVar:

NM_006766.5(KAT6A):c.5902A>G (p.Met1968Val)

Gene: KAT6A (lysine acetyltransferase 6A; minus strand). Cytogenetic location: 8p11.21.
Variant type: single nucleotide variant.
Coding change: c.5902A>G on transcript NM_006766.5 (MANE Select); coding-DNA position 5902, A replaced by G.
Protein change: p.Met1968Val; replaces methionine 1968 with valine.
Molecular consequence: missense variant.
Genome position (GRCh38, 1-based): chr8:41,932,318, T>C on the plus strand (A>G on the coding strand, the complement: KAT6A is on the minus strand). VCF-style: chr8-41932318-T-C. GRCh37 (hg19) VCF-style: chr8-41789836-T-C.
Other names: short protein forms M1968V.
Identifiers: ClinVar variation 2962042 (VCV002962042.3), dbSNP rs758259269, ClinGen allele CA4729228.

ClinVar aggregate classification (germline): Uncertain significance (1 of 4 stars; one submission).

Allele frequency attached by ClinVar (database versions not stated): gnomAD 0.00001; ExAC 0.00002; TOPMed 0.00002.

Submission:

Labcorp Genetics (formerly Invitae), Labcorp
Classification: Uncertain significance. Last evaluated: 2024-05-01. Review status: criteria provided, single submitter. Criteria: Invitae Variant Classification Sherloc (09022015). Collection method: clinical testing. Allele origin: germline.
Comment: This sequence change replaces methionine, which is neutral and non-polar, with valine, which is neutral and non-polar, at codon 1968 of the KAT6A protein (p.Met1968Val). This variant is present in population databases (rs758259269, gnomAD 0.003%). This variant has not been reported in the literature in individuals affected with KAT6A-related conditions. Experimental studies and prediction algorithms are not available or were not evaluated, and the functional significance of this variant is currently unknown. In summary, the available evidence is currently insufficient to determine the role of this variant in disease. Therefore, it has been classified as a Variant of Uncertain Significance.